The following is an entry in ClinVar:

ClinVar aggregate classification (germline): Uncertain significance (1 of 4 stars; one submission).

Conditions:
Autoimmune lymphoproliferative syndrome type 1. Also called: AUTOIMMUNE LYMPHOPROLIFERATIVE SYNDROME, TYPE I, AUTOSOMAL DOMINANT. Identifiers: Orphanet 3261, MedGen C2717884, MONDO:0011158, OMIM 601859.

Submission:

Labcorp Genetics (formerly Invitae), Labcorp
Classification: Uncertain significance for Autoimmune lymphoproliferative syndrome. Last evaluated: 2024-10-15. Review status: criteria provided, single submitter. Criteria: Invitae Variant Classification Sherloc (09022015). Collection method: clinical testing. Allele origin: germline.
Comment: This variant, c.144_152del, results in the deletion of 3 amino acid(s) of the FASLG protein (p.Pro51_Pro53del), but otherwise preserves the integrity of the reading frame. This variant is present in population databases (rs777390517, gnomAD 0.03%). This variant has not been reported in the literature in individuals affected with FASLG-related conditions. ClinVar contains an entry for this variant (Variation ID: 532231). Experimental studies and prediction algorithms are not available or were not evaluated, and the functional significance of this variant is currently unknown. In summary, the available evidence is currently insufficient to determine the role of this variant in disease. Therefore, it has been classified as a Variant of Uncertain Significance.

NM_000639.3(FASLG):c.144_152del (p.Pro51_Pro53del)

Gene: FASLG (Fas ligand; plus strand). Cytogenetic location: 1q24.3.
Variant type: Deletion.
Coding change: c.144_152del on transcript NM_000639.3 (MANE Select); coding-DNA positions 144 to 152, 9 bases deleted (ACCGCCACC; older notation c.144_152delACCGCCACC).
Protein change: p.Pro51_Pro53del.
Molecular consequence: inframe deletion.
Genome position (GRCh38, 1-based): chr1:172,659,345-172,659,353, ACCGCCACC deleted; deleting any 9 consecutive bases within chr1:172,659,340-172,659,353 gives the same sequence; the c. name uses the placement nearest the transcript's 3' end. VCF-style (leftmost placement, unchanged base first): chr1-172659339-ACCACCACCG-A. GRCh37 (hg19) VCF-style: chr1-172628479-ACCACCACCG-A.
Other names: c.144_152del, p.Pro51_Pro53del (NM_001302746.2).
Identifiers: ClinVar variation 532231 (VCV000532231.4), dbSNP rs777390517, ClinGen allele CA1247452.
Genomic context (GRCh38, chr1:172,659,339, plus strand): 5'-AGGCACAGTTCTTCCCTGTCCAACCTCTGTGCCCAGAAGGCCTGGTCAAAGGAGGCCACC[ACCACCACCG>A]CCACCGCCACCACTACCACCTCCGCCGCCGCCGCCACCACTGCCTCCACTACCGCTGCCA-3'